The following is an entry in ClinVar:

ClinVar aggregate classification (germline): Uncertain significance (1 of 4 stars; one submission).

Allele frequency attached by ClinVar (database versions not stated): gnomAD 0.00001; gnomAD exomes 0.00001 and 0.00002; TOPMed 0.00001; ExAC 0.00002.
gnomAD v4.1: 17 of 1,614,122 alleles (0.0011%); highest among the groups gnomAD compares: Non-Finnish European, 0.00017%; no homozygotes.

Submission:

Labcorp Genetics (formerly Invitae), Labcorp
Classification: Uncertain significance. Last evaluated: 2024-05-08. Review status: criteria provided, single submitter. Criteria: Invitae Variant Classification Sherloc (09022015). Collection method: clinical testing. Allele origin: germline.
Comment: This sequence change replaces tyrosine, which is neutral and polar, with cysteine, which is neutral and slightly polar, at codon 169 of the HARS2 protein (p.Tyr169Cys). This variant is present in population databases (rs754308731, gnomAD 0.03%). This variant has not been reported in the literature in individuals affected with HARS2-related conditions. ClinVar contains an entry for this variant (Variation ID: 1475220). Advanced modeling of protein sequence and biophysical properties (such as structural, functional, and spatial information, amino acid conservation, physicochemical variation, residue mobility, and thermodynamic stability) performed at Invitae indicates that this missense variant is expected to disrupt HARS2 protein function with a positive predictive value of 80%. In summary, the available evidence is currently insufficient to determine the role of this variant in disease. Therefore, it has been classified as a Variant of Uncertain Significance.

NM_012208.4(HARS2):c.506A>G (p.Tyr169Cys)

Gene: HARS2 (histidyl-tRNA synthetase 2, mitochondrial; plus strand). Cytogenetic location: 5q31.3.
Variant type: single nucleotide variant.
Coding change: c.506A>G on transcript NM_012208.4 (MANE Select); coding-DNA position 506, A replaced by G.
Protein change: p.Tyr169Cys; replaces tyrosine 169 with cysteine.
Molecular consequence: missense variant. On other transcripts: intron variant (1).
Genome position (GRCh38, 1-based): chr5:140,695,614, A>G. VCF-style: chr5-140695614-A-G. GRCh37 (hg19) VCF-style: chr5-140075199-A-G.
Other names: c.431A>G, p.Tyr144Cys (NM_001278731.2); c.524A>G, p.Tyr175Cys (NM_001363535.2); c.296A>G, p.Tyr99Cys (NM_001363536.2); c.94-124A>G (NM_001278732.2); short protein forms Y144C, Y99C, Y169C, Y175C.
Identifiers: ClinVar variation 1475220 (VCV001475220.6), dbSNP rs754308731, ClinGen allele CA3444447.